The following is an entry in ClinVar:

ClinVar aggregate classification (germline): Likely benign (1 of 4 stars; one submission).

Conditions:
SCN2A-related disorder. Also called: SCN2A-related condition; SCN2A-related disorders. Identifiers: MedGen CN382226, MONDO:1060245.

gnomAD v4.1: 2 of 1,613,284 alleles (0.00012%); highest among the groups gnomAD compares: Non-Finnish European, 0.00017%; no homozygotes.

Submission:

PreventionGenetics, part of Exact Sciences
Classification: Likely benign for SCN2A-related condition. Last evaluated: 2025-07-07. Review status: criteria provided, single submitter. Criteria: ACMG Guidelines, 2015. Collection method: clinical testing. Allele origin: germline.
Comment: This variant is classified as likely benign based on ACMG/AMP sequence variant interpretation guidelines (Richards et al. 2015 PMID: 25741868, with internal and published modifications).

NM_001040142.2(SCN2A):c.4821A>G (p.Val1607=)

Gene: SCN2A (sodium voltage-gated channel alpha subunit 2; plus strand). Cytogenetic location: 2q24.3.
Variant type: single nucleotide variant.
Coding change: c.4821A>G on transcript NM_001040142.2 (MANE Select); coding-DNA position 4821, A replaced by G.
Protein change: p.Val1607=; no amino-acid change (valine 1607 retained).
Molecular consequence: synonymous variant.
Genome position (GRCh38, 1-based): chr2:165,387,015, A>G. VCF-style: chr2-165387015-A-G. GRCh37 (hg19) VCF-style: chr2-166243525-A-G.
Other names: c.4821A>G, p.Val1607= (NM_001040143.2, NM_001371246.1, NM_001371247.1 and 1 more transcripts).
Identifiers: ClinVar variation 4996823 (VCV004996823.1).